The following is an entry in ClinVar:

ClinVar aggregate classification (germline): Uncertain significance (1 of 4 stars; one submission).

Conditions:
Neuropathy, hereditary sensory and autonomic, type 2A (HSAN2A). Also called: WNK1-Related HSAN2 (HSAN2A); HSAN IIA; ACROOSTEOLYSIS, GIACCAI TYPE; ACROOSTEOLYSIS, NEUROGENIC; MORVAN DISEASE; NEUROPATHY, CONGENITAL SENSORY. Identifiers: Orphanet 970, MedGen C2752089, MONDO:0024309, OMIM 201300.
Generalized epilepsy with febrile seizures plus, type 7 (GEFSP7). Also called: GEFS+, TYPE 7. Identifiers: Orphanet 36387, MedGen C2751778, MONDO:0013470, OMIM 613863.

Allele frequency attached by ClinVar (database versions not stated): gnomAD exomes below 0.00001.

Submission:

Labcorp Genetics (formerly Invitae), Labcorp
Classification: Uncertain significance for Neuropathy, hereditary sensory and autonomic, type 2A; Generalized epilepsy with febrile seizures plus, type 7. Last evaluated: 2024-04-24. Review status: criteria provided, single submitter. Criteria: Invitae Variant Classification Sherloc (09022015). Collection method: clinical testing. Allele origin: germline.
Comment: This sequence change replaces asparagine, which is neutral and polar, with histidine, which is basic and polar, at codon 1448 of the SCN9A protein (p.Asn1448His). This variant is not present in population databases (gnomAD no frequency). This variant has not been reported in the literature in individuals affected with SCN9A-related conditions. ClinVar contains an entry for this variant (Variation ID: 2108915). Advanced modeling of protein sequence and biophysical properties (such as structural, functional, and spatial information, amino acid conservation, physicochemical variation, residue mobility, and thermodynamic stability) performed at Invitae indicates that this missense variant is not expected to disrupt SCN9A protein function with a negative predictive value of 95%. In summary, the available evidence is currently insufficient to determine the role of this variant in disease. Therefore, it has been classified as a Variant of Uncertain Significance.

NM_001365536.1(SCN9A):c.4375A>C (p.Asn1459His)

Genes: SCN1A-AS1 (SCN1A and SCN9A antisense RNA 1; plus strand), SCN9A (sodium voltage-gated channel alpha subunit 9; minus strand). Cytogenetic location: 2q24.3.
Variant type: single nucleotide variant.
Coding change: c.4375A>C on transcript NM_001365536.1 (MANE Select); coding-DNA position 4375, A replaced by C.
Protein change: p.Asn1459His; replaces asparagine 1459 with histidine.
Molecular consequence: missense variant.
Genome position (GRCh38, 1-based): chr2:166,226,590, T>G on the plus strand (A>C on the coding strand, the complement: SCN9A is on the minus strand). VCF-style: chr2-166226590-T-G. GRCh37 (hg19) VCF-style: chr2-167083100-T-G.
Other names: c.4342A>C, p.Asn1448His (NM_002977.4); short protein forms N1459H, N1448H.
Identifiers: ClinVar variation 2108915 (VCV002108915.4), dbSNP rs2468968512, ClinGen allele CA349061870.